The following is an entry in ClinVar:

ClinVar aggregate classification (germline): Conflicting classifications of pathogenicity. Review status: criteria provided, conflicting classifications (1 of 4 stars). 3 submissions from 3 submitters: Uncertain significance (1); Likely benign (2). Last evaluated 2025-12-08.

Conditions:
KBG syndrome (KBGS). Also called: ANKRD11-Related KBG Syndrome. Identifiers: Orphanet 2332, MedGen C0220687, MONDO:0007846, OMIM 148050.
Inborn genetic diseases. Identifiers: MedGen C0950123, MeSH D030342.

Allele frequency attached by ClinVar (database versions not stated): gnomAD exomes 0.00001 and 0.00002; gnomAD 0.00006; TOPMed 0.00006.
gnomAD v4.1: 18 of 1,439,896 alleles (0.0013%); highest among the groups gnomAD compares: African/African-American, 0.017%; no homozygotes.

Submissions (3):

Labcorp Genetics (formerly Invitae), Labcorp
Classification: Uncertain significance for KBG syndrome. Last evaluated: 2025-12-08. Review status: criteria provided, single submitter. Criteria: Invitae Variant Classification Sherloc (09022015). Collection method: clinical testing. Allele origin: germline.
Comment: This sequence change replaces alanine, which is neutral and non-polar, with valine, which is neutral and non-polar, at codon 2299 of the ANKRD11 protein (p.Ala2299Val). The frequency data for this variant in the population databases is considered unreliable, as metrics indicate poor data quality at this position in the gnomAD database. This variant has not been reported in the literature in individuals affected with ANKRD11-related conditions. ClinVar contains an entry for this variant (Variation ID: 1204729). Invitae Evidence Modeling of protein sequence and biophysical properties (such as structural, functional, and spatial information, amino acid conservation, physicochemical variation, residue mobility, and thermodynamic stability) indicates that this missense variant is not expected to disrupt ANKRD11 protein function with a negative predictive value of 95%. In summary, the available evidence is currently insufficient to determine the role of this variant in disease. Therefore, it has been classified as a Variant of Uncertain Significance.

GeneDx
Classification: Likely benign. Last evaluated: 2020-09-25. Review status: criteria provided, single submitter. Criteria: GeneDx Variant Classification Process June 2021. Collection method: clinical testing. Allele origin: germline. Affected: yes.

Ambry Genetics
Classification: Likely benign for Inborn genetic diseases. Last evaluated: 2018-12-07. Review status: criteria provided, single submitter. Criteria: Ambry Variant Classification Scheme 2023. Collection method: clinical testing. Allele origin: germline.

NM_013275.6(ANKRD11):c.6896C>T (p.Ala2299Val)

Gene: ANKRD11 (ankyrin repeat domain 11; minus strand). Cytogenetic location: 16q24.3.
Variant type: single nucleotide variant.
Coding change: c.6896C>T on transcript NM_013275.6 (MANE Select); coding-DNA position 6896, C replaced by T.
Protein change: p.Ala2299Val; replaces alanine 2299 with valine.
Molecular consequence: missense variant.
Genome position (GRCh38, 1-based): chr16:89,279,646, G>A on the plus strand (C>T on the coding strand, the complement: ANKRD11 is on the minus strand). VCF-style: chr16-89279646-G-A. GRCh37 (hg19) VCF-style: chr16-89346054-G-A.
Other names: c.6896C>T, p.Ala2299Val (NM_001256182.2, NM_001256183.2); short protein forms A2299V.
Identifiers: ClinVar variation 1204729 (VCV001204729.8), dbSNP rs999284780, ClinGen allele CA286509699.